The following is an entry in ClinVar:

NM_014727.3(KMT2B):c.1762A>G (p.Thr588Ala)

Gene: KMT2B (lysine methyltransferase 2B; plus strand). Cytogenetic location: 19q13.12.
Variant type: single nucleotide variant.
Coding change: c.1762A>G on transcript NM_014727.3 (MANE Select); coding-DNA position 1762, A replaced by G.
Protein change: p.Thr588Ala; replaces threonine 588 with alanine.
Molecular consequence: missense variant.
Genome position (GRCh38, 1-based): chr19:35,721,109, A>G. VCF-style: chr19-35721109-A-G. GRCh37 (hg19) VCF-style: chr19-36212011-A-G.
Other names: short protein forms T588A.
Identifiers: ClinVar variation 2633484 (VCV002633484.1), dbSNP rs2513316318, ClinGen allele CA405393641.
Genomic context (GRCh38, chr19:35,721,109, plus strand): 5'-ACCACCTCCCCACCTGTTCCCCAGGAGCCAGCACCAGTCCCCTCTCCACCACGTGCCCCA[A>G]CTCCTCCATCTACCCCAGTTCCACTCCCTGAGAAGAGACGGTCCATCCTAAGGGAACCCA-3'
Protein context (NP_055542.1, residues 578-598): APVPSPPRAP[Thr588Ala]PPSTPVPLPE

ClinVar aggregate classification (germline): Uncertain significance (1 of 4 stars; one submission).

Conditions:
KMT2B-related disorder. Also called: KMT2B-related condition; KMT2B-related disorders. Identifiers: MedGen CN381338.

Allele frequency attached by ClinVar (database versions not stated): gnomAD exomes below 0.00001.
gnomAD v4.1: 1 of 1,606,078 alleles (0.000062%); highest among the groups gnomAD compares: Non-Finnish European, 0.000085%; no homozygotes.

Submission:

PreventionGenetics, part of Exact Sciences
Classification: Uncertain significance for KMT2B-related condition. Last evaluated: 2023-03-21. Review status: criteria provided, single submitter. Criteria: ACMG Guidelines, 2015. Collection method: clinical testing. Allele origin: germline.
Comment: The KMT2B c.1762A>G variant is predicted to result in the amino acid substitution p.Thr588Ala. To our knowledge, this variant has not been reported in the literature or in a large population database, indicating this variant is rare. At this time, the clinical significance of this variant is uncertain due to the absence of conclusive functional and genetic evidence.